The following is an entry in ClinVar:

NM_000455.5(STK11):c.1108+14G>A

Genes: STK11 (serine/threonine kinase 11; plus strand), LOC130062899 (ATAC-STARR-seq lymphoblastoid active region 13597; plus strand). Cytogenetic location: 19p13.3.
Variant type: single nucleotide variant.
Coding change: c.1108+14G>A on transcript NM_000455.5 (MANE Select); 14 bases into the intron after coding-DNA position 1108, G replaced by A.
Molecular consequence: intron variant.
Genome position (GRCh38, 1-based): chr19:1,223,186, G>A. VCF-style: chr19-1223186-G-A. GRCh37 (hg19) VCF-style: chr19-1223185-G-A.
Identifiers: ClinVar variation 389973 (VCV000389973.3), dbSNP rs888983934, ClinGen allele CA16608842.

ClinVar aggregate classification (germline): Likely benign. Review status: criteria provided, multiple submitters, no conflicts (2 of 4 stars). 2 submissions from 2 submitters: Likely benign (2). Last evaluated 2026-01-12.

Conditions:
Peutz-Jeghers syndrome (PJS). Also called: POLYPOSIS, HAMARTOMATOUS INTESTINAL; POLYPS-AND-SPOTS SYNDROME; Peutz-Jeghers polyposis; Periorificial lentiginosis syndrome. Identifiers: Orphanet 2869, MedGen C0031269, MeSH D010580, MONDO:0008280, OMIM 175200.

Allele frequency attached by ClinVar (database versions not stated): gnomAD 0.00001.
gnomAD v4.1: 3 of 1,605,166 alleles (0.00019%); highest among the groups gnomAD compares: Admixed American, 0.0017%; no homozygotes.

Submissions (2):

Labcorp Genetics (formerly Invitae), Labcorp
Classification: Likely benign for Peutz-Jeghers syndrome. Last evaluated: 2026-01-12. Review status: criteria provided, single submitter. Criteria: Invitae Variant Classification Sherloc (09022015). Collection method: clinical testing. Allele origin: germline.

GeneDx
Classification: Likely benign. Last evaluated: 2016-10-10. Review status: criteria provided, single submitter. Criteria: GeneDx Variant Classification (06012015). Collection method: clinical testing. Allele origin: germline. Affected: yes.
Comment: This variant is considered likely benign or benign based on one or more of the following criteria: it is a conservative change, it occurs at a poorly conserved position in the protein, it is predicted to be benign by multiple in silico algorithms, and/or has population frequency not consistent with disease.